The following is an entry in ClinVar:

NM_213720.3(CHCHD10):c.261+11A>G

Gene: CHCHD10 (coiled-coil-helix-coiled-coil-helix domain containing 10; minus strand). Cytogenetic location: 22q11.23.
Variant type: single nucleotide variant.
Coding change: c.261+11A>G on transcript NM_213720.3 (MANE Select); 11 bases into the intron after coding-DNA position 261, A replaced by G.
Molecular consequence: intron variant.
Genome position (GRCh38, 1-based): chr22:23,767,363, T>C on the plus strand (A>G on the coding strand, the complement: CHCHD10 is on the minus strand). VCF-style: chr22-23767363-T-C. GRCh37 (hg19) VCF-style: chr22-24109550-T-C.
Other names: c.261+11A>G (NM_001301339.2).
Identifiers: ClinVar variation 379952 (VCV000379952.18), dbSNP rs131444, ClinGen allele CA10145282.

ClinVar aggregate classification (germline): Benign. Review status: criteria provided, multiple submitters, no conflicts (2 of 4 stars). 9 submissions from 7 submitters: Benign (6). 3 of the submissions do not count toward it. Last evaluated 2026-02-04.

Conditions:
Lower motor neuron syndrome with late-adult onset (SMAJ). Also called: Late-Onset Spinal Motor Neuronopathy (SMAJ); Spinal muscular atrophy, Jokela type. Identifiers: Orphanet 276435, MedGen C3554398, MONDO:0014025, OMIM 615048.
Autosomal dominant mitochondrial myopathy with exercise intolerance (IMMD). Also called: Myopathy, isolated mitochondrial, autosomal dominant. Identifiers: Orphanet 457050, MedGen C4015513, MONDO:0014532, OMIM 616209.
Frontotemporal dementia and/or amyotrophic lateral sclerosis 2. Also called: FTDALS2. Identifiers: Orphanet 275872, MedGen C4014648, MONDO:0014395, OMIM 615911.

Allele frequency attached by ClinVar (database versions not stated): gnomAD exomes 0.87745; ExAC 0.87888; ESP Exome Variant Server 0.92385; 1000 Genomes Project 30x 0.87633; TOPMed 0.91172; gnomAD 0.91422 and 0.92009; 1000 Genomes Project 0.87101.
gnomAD v4.1: 1,441,750 of 1,605,712 alleles (90%); highest among the groups gnomAD compares: African/African-American, 97%; 649,104 homozygotes.

Submissions (9):

Labcorp Genetics (formerly Invitae), Labcorp
Classification: Benign for Lower motor neuron syndrome with late-adult onset; Frontotemporal dementia and/or amyotrophic lateral sclerosis 2; Autosomal dominant mitochondrial myopathy with exercise intolerance. Last evaluated: 2026-02-04. Review status: criteria provided, single submitter. Criteria: Invitae Variant Classification Sherloc (09022015). Collection method: clinical testing. Allele origin: germline.

Genome-Nilou Lab
Classification: Benign for Autosomal dominant mitochondrial myopathy with exercise intolerance. Last evaluated: 2021-07-22. Review status: criteria provided, single submitter. Criteria: ACMG Guidelines, 2015. Collection method: clinical testing. Allele origin: germline. Affected: no.

Genome-Nilou Lab
Classification: Benign for Frontotemporal dementia and/or amyotrophic lateral sclerosis 2. Last evaluated: 2021-07-22. Review status: criteria provided, single submitter. Criteria: ACMG Guidelines, 2015. Collection method: clinical testing. Allele origin: germline. Affected: no.

Genome-Nilou Lab
Classification: Benign for Lower motor neuron syndrome with late-adult onset. Last evaluated: 2021-07-22. Review status: criteria provided, single submitter. Criteria: ACMG Guidelines, 2015. Collection method: clinical testing. Allele origin: germline. Affected: no.

GeneDx
Classification: Benign. Last evaluated: 2016-02-03. Review status: criteria provided, single submitter. Criteria: GeneDx Variant Classification (06012015). Collection method: clinical testing. Allele origin: germline. Affected: yes.
Comment: This variant is considered likely benign or benign based on one or more of the following criteria: it is a conservative change, it occurs at a poorly conserved position in the protein, it is predicted to be benign by multiple in silico algorithms, and/or has population frequency not consistent with disease.

Breakthrough Genomics
Classification: Benign. Review status: criteria provided, single submitter. Criteria: ACMG Guidelines, 2015. Collection method: not provided. Allele origin: germline. Inheritance: Autosomal dominant inheritance. Affected: yes.

Clinical Genetics, Academic Medical Center
Classification: Benign. Review status: no assertion criteria provided. Collection method: clinical testing. Allele origin: germline. Affected: yes. Study: VKGL Data-share Consensus. Not counted in ClinVar's aggregate classification.

Genome Diagnostics Laboratory, Amsterdam University Medical Center
Classification: Benign. Review status: no assertion criteria provided. Collection method: clinical testing. Allele origin: germline. Affected: yes. Study: VKGL Data-share Consensus. Not counted in ClinVar's aggregate classification.

Joint Genome Diagnostic Labs from Nijmegen and Maastricht, Radboudumc and MUMC+
Classification: Benign. Review status: no assertion criteria provided. Collection method: clinical testing. Allele origin: germline. Affected: yes. Study: VKGL Data-share Consensus. Not counted in ClinVar's aggregate classification.